The following is an entry in ClinVar:

ClinVar aggregate classification (germline): Uncertain significance (1 of 4 stars; one submission).

Conditions:
Familial adenomatous polyposis 1 (FAP1). Also called: FAMILIAL ADENOMATOUS POLYPOSIS 1, ATTENUATED; POLYPOSIS, ADENOMATOUS INTESTINAL. Identifiers: MedGen C2713442, MONDO:0021056, OMIM 175100. Disease mechanism: loss of function.

gnomAD v4.1: 2 of 1,351,042 alleles (0.00015%); highest among the groups gnomAD compares: Admixed American, 0.0044%; no homozygotes.

Submission:

Labcorp Genetics (formerly Invitae), Labcorp
Classification: Uncertain significance for Familial adenomatous polyposis 1. Last evaluated: 2025-12-17. Review status: criteria provided, single submitter. Criteria: Invitae Variant Classification Sherloc (09022015). Collection method: clinical testing. Allele origin: germline.
Comment: This variant occurs in a non-coding region of the APC gene. It does not change the encoded amino acid sequence of the APC protein. This variant is not present in population databases (gnomAD no frequency). This variant has not been reported in the literature in individuals affected with APC-related conditions. Experimental studies and prediction algorithms are not available or were not evaluated, and the functional significance of this variant is currently unknown. In summary, the available evidence is currently insufficient to determine the role of this variant in disease. Therefore, it has been classified as a Variant of Uncertain Significance.

NM_001127511.3(APC):c.-79G>T

Gene: APC (APC regulator of Wnt signaling pathway; plus strand). Cytogenetic location: 5q22.2.
Variant type: single nucleotide variant.
Coding change: c.-79G>T on transcript NM_001127511.3; 79 bases upstream of the start codon, G replaced by T.
Molecular consequence: 5 prime UTR variant. On other transcripts: non-coding transcript variant (2).
Genome position (GRCh38, 1-based): chr5:112,707,639, G>T. VCF-style: chr5-112707639-G-T. GRCh37 (hg19) VCF-style: chr5-112043336-G-T.
Other names: c.-262G>T (NM_001354895.2, NM_001407447.1, NM_001407452.1 and 3 more transcripts); c.-79G>T (NM_001354897.2, NM_001354902.2, NM_001407446.1); c.-29G>T (NM_001407448.1, NM_001407450.1, NM_001407457.1 and 1 more transcripts); c.-53G>T (NM_001407453.1); c.-1297G>T (NM_001407470.1, NM_001407472.1).
Identifiers: ClinVar variation 1004195 (VCV001004195.5), dbSNP rs1369181601, ClinGen allele CA1573442577.
Genomic context (GRCh38, chr5:112,707,639, plus strand): 5'-GCTGCTCGGGGGGGACCTGCGGGCTCAGGCCCGGGAGCTGCGGACCGAGGTTGGCTCGAT[G>T]CTGTTCCCAGGTACTGTTGTTGGCTGTTGGTGAGGAAGGTGAAGCACTCAGTTGCCTTCT-3'